The following is an entry in ClinVar:

ClinVar aggregate classification (germline): Likely benign. Review status: criteria provided, multiple submitters, no conflicts (2 of 4 stars). 4 submissions from 4 submitters: Likely benign (3). 1 of the submissions does not count toward it. Last evaluated 2026-09-01.

Conditions:
DNAH9-related disorder. Also called: DNAH9-related condition.

Allele frequency attached by ClinVar (database versions not stated): ExAC 0.00024; 1000 Genomes Project 30x 0.00031; TOPMed 0.00007; gnomAD 0.00009; gnomAD exomes 0.00010; 1000 Genomes Project 0.00020.
gnomAD v4.1: 166 of 1,614,012 alleles (0.01%); highest among the groups gnomAD compares: South Asian, 0.13%; 1 homozygote.

Submissions (4):

CeGaT Center for Human Genetics Tuebingen
Classification: Likely benign. Last evaluated: 2026-09-01. Review status: criteria provided, single submitter. Criteria: CeGaT Center For Human Genetics Tuebingen Variant Classification Criteria Version 2. Collection method: clinical testing. Allele origin: germline. Affected: yes. Observed: 1 variant allele.
Comment: DNAH9: BP4, BP7

Labcorp Genetics (formerly Invitae), Labcorp
Classification: Likely benign. Last evaluated: 2025-09-15. Review status: criteria provided, single submitter. Criteria: Invitae Variant Classification Sherloc (09022015). Collection method: clinical testing. Allele origin: germline.

Blueprint Genetics
Classification: Likely benign. Last evaluated: 2024-11-25. Review status: criteria provided, single submitter. Criteria: ACMG Guidelines, 2015. Collection method: clinical testing. Allele origin: germline.

PreventionGenetics, part of Exact Sciences
Classification: Likely benign for DNAH9-related condition. Last evaluated: 2024-08-06. Review status: no assertion criteria provided. Collection method: clinical testing. Allele origin: germline. Not counted in ClinVar's aggregate classification.
Comment: This variant is classified as likely benign based on ACMG/AMP sequence variant interpretation guidelines (Richards et al. 2015 PMID: 25741868, with internal and published modifications).

NM_001372.4(DNAH9):c.8487C>T (p.Ser2829=)

Gene: DNAH9 (dynein axonemal heavy chain 9; plus strand). Cytogenetic location: 17p12.
Variant type: single nucleotide variant.
Coding change: c.8487C>T on transcript NM_001372.4 (MANE Select); coding-DNA position 8487, C replaced by T.
Protein change: p.Ser2829=; no amino-acid change (serine 2829 retained).
Molecular consequence: synonymous variant.
Genome position (GRCh38, 1-based): chr17:11,807,798, C>T. VCF-style: chr17-11807798-C-T. GRCh37 (hg19) VCF-style: chr17-11711115-C-T.
Other names: c.8487C>T (NM_001372.3).
Identifiers: ClinVar variation 2413632 (VCV002413632.10), dbSNP rs567270232, ClinGen allele CA8396947.